The following is an entry in ClinVar:

ClinVar aggregate classification (germline): Likely benign. Review status: criteria provided, multiple submitters, no conflicts (2 of 4 stars). 2 submissions from 2 submitters: Likely benign (2). Last evaluated 2024-02-01.

Conditions:
Very long chain acyl-CoA dehydrogenase deficiency (ACADVLD). Also called: Very Long-Chain Acyl-Coenzyme A Dehydrogenase Deficiency; VLCAD Deficiency. Identifiers: Orphanet 26793, MedGen C3887523, MONDO:0008723, OMIM 201475.

Allele frequency attached by ClinVar (database versions not stated): gnomAD exomes below 0.00001; TOPMed 0.00001; gnomAD 0.00002.
gnomAD v4.1: 4 of 1,612,918 alleles (0.00025%); highest among the groups gnomAD compares: South Asian, 0.0011%; no homozygotes.

Submissions (2):

Labcorp Genetics (formerly Invitae), Labcorp
Classification: Likely benign for Very long chain acyl-CoA dehydrogenase deficiency. Last evaluated: 2024-02-01. Review status: criteria provided, single submitter. Criteria: Invitae Variant Classification Sherloc (09022015). Collection method: clinical testing. Allele origin: germline.

GeneDx
Classification: Likely benign. Last evaluated: 2016-10-17. Review status: criteria provided, single submitter. Criteria: GeneDx Variant Classification (06012015). Collection method: clinical testing. Allele origin: germline. Affected: yes.
Comment: This variant is considered likely benign or benign based on one or more of the following criteria: it is a conservative change, it occurs at a poorly conserved position in the protein, it is predicted to be benign by multiple in silico algorithms, and/or has population frequency not consistent with disease.

NM_000018.4(ACADVL):c.477+12C>G

Gene: ACADVL (acyl-CoA dehydrogenase very long chain; plus strand). Cytogenetic location: 17p13.1.
Variant type: single nucleotide variant.
Coding change: c.477+12C>G on transcript NM_000018.4 (MANE Select); 12 bases into the intron after coding-DNA position 477, C replaced by G.
Molecular consequence: intron variant.
Genome position (GRCh38, 1-based): chr17:7,221,070, C>G. VCF-style: chr17-7221070-C-G. GRCh37 (hg19) VCF-style: chr17-7124389-C-G.
Other names: c.546+12C>G (NM_001270447.2); c.249+12C>G (NM_001270448.2); c.411+12C>G (NM_001033859.3).
Identifiers: ClinVar variation 389733 (VCV000389733.8), dbSNP rs1057523521, ClinGen allele CA16607869.
Genomic context (GRCh38, chr17:7,221,070, plus strand): 5'-TCTGCAAGTGCCCAGTGAGCTGGGTGGTGTGGGCCTTTGCAACACCCAGGTGAGGGCGCC[C>G]TATCGCCACATCCCAGTATGCCATACCCCAGCTTGGCAGACTCAGCTCTTTTGCCATAGA-3'